The following is an entry in ClinVar:

NM_004260.4(RECQL4):c.20T>G (p.Val7Gly)

Genes: RECQL4 (RecQ like helicase 4; minus strand), LOC130001411 (ATAC-STARR-seq lymphoblastoid silent region 19699; plus strand). Cytogenetic location: 8q24.3.
Variant type: single nucleotide variant.
Coding change: c.20T>G on transcript NM_004260.4 (MANE Select); coding-DNA position 20, T replaced by G.
Protein change: p.Val7Gly; replaces valine 7 with glycine.
Molecular consequence: missense variant.
Genome position (GRCh38, 1-based): chr8:144,517,765, A>C on the plus strand (T>G on the coding strand, the complement: RECQL4 is on the minus strand). VCF-style: chr8-144517765-A-C. GRCh37 (hg19) VCF-style: chr8-145743149-A-C.
Other names: short protein forms V7G.
Identifiers: ClinVar variation 406965 (VCV000406965.11), dbSNP rs781721739, ClinGen allele CA4949514.
Genomic context (GRCh38, chr8:144,517,765, plus strand): 5'-CTCGGTCGCCGCCCGCGCTGCCGTCGGAACGCGCGCTCCCACGCCTGCAGCCGCTCCCGC[A>C]CGTCCCGCAGCCGCTCCATGGCGCGCGCGCCCGCCCGGCCTCCGCGCTTGCGATCGTCCA-3'
Protein context (NP_004251.4, residues 1-17): MERLRD[Val7Gly]RERLQAWERA

ClinVar aggregate classification (germline): Uncertain significance. Review status: criteria provided, multiple submitters, no conflicts (2 of 4 stars). 7 submissions from 7 submitters: Uncertain significance (5). 2 of the submissions do not count toward it. Last evaluated 2025-11-02.

Conditions:
Rothmund-Thomson syndrome type 2 (RTS2). Identifiers: Orphanet 221016, MedGen C5203410, MONDO:0016369, OMIM 268400.
Inborn genetic diseases. Identifiers: MedGen C0950123, MeSH D030342.
Rapadilino syndrome. Identifiers: Orphanet 3021, MedGen C1849453, MONDO:0009955, OMIM 266280.
Baller-Gerold syndrome (BGS). Also called: CRANIOSYNOSTOSIS WITH RADIAL DEFECTS. Identifiers: Orphanet 1225, MedGen C0265308, MONDO:0009039, OMIM 218600.
Rothmund-Thomson syndrome (RTS). Also called: Poikiloderma Congenitale; Poikiloderma of Rothmund-Thomson. Identifiers: Orphanet 2909, MedGen C0032339, MONDO:0010002.

Allele frequency attached by ClinVar (database versions not stated): gnomAD exomes 0.00002 and 0.00008; TOPMed 0.00002; gnomAD 0.00003; ExAC 0.00033.

Submissions (7):

Labcorp Genetics (formerly Invitae), Labcorp
Classification: Uncertain significance for Baller-Gerold syndrome. Last evaluated: 2025-11-02. Review status: criteria provided, single submitter. Criteria: Invitae Variant Classification Sherloc (09022015). Collection method: clinical testing. Allele origin: germline.
Comment: This sequence change replaces valine, which is neutral and non-polar, with glycine, which is neutral and non-polar, at codon 7 of the RECQL4 protein (p.Val7Gly). This variant is present in population databases (rs781721739, gnomAD 0.02%). This variant has not been reported in the literature in individuals affected with RECQL4-related conditions. ClinVar contains an entry for this variant (Variation ID: 406965). Experimental studies and prediction algorithms are not available or were not evaluated, and the functional significance of this variant is currently unknown. In summary, the available evidence is currently insufficient to determine the role of this variant in disease. Therefore, it has been classified as a Variant of Uncertain Significance.

Ambry Genetics
Classification: Uncertain significance for Inborn genetic diseases. Last evaluated: 2024-12-02. Review status: criteria provided, single submitter. Criteria: Ambry Variant Classification Scheme 2023. Collection method: clinical testing. Allele origin: germline.

Blueprint Genetics
Classification: Uncertain significance. Last evaluated: 2024-04-26. Review status: criteria provided, single submitter. Criteria: ACMG Guidelines, 2015. Collection method: clinical testing. Allele origin: germline.

St. Jude Molecular Pathology, St. Jude Children's Research Hospital
Classification: Uncertain significance for Rothmund-Thomson syndrome type 2. Last evaluated: 2022-08-10. Review status: criteria provided, single submitter. Criteria: St. Jude Assertion Criteria 2020. Collection method: clinical testing. Allele origin: germline.
Comment: The RECQL4 c.20T>G (p.Val7Gly) missense change has a maximum subpopulation frequency of 0.015% in gnomAD v2.1.1. In silico tools are inconclusive about a pathogenic or benign effect of this variant on protein function, and to our knowledge functional studies have not been performed. To our knowledge, this variant has not been reported in individuals with RECQL4-associated conditions. In summary, the evidence currently available is insufficient to determine the clinical significance of this variant. It has therefore been classified as of uncertain significance.

Fulgent Genetics
Classification: Uncertain significance for Baller-Gerold syndrome; Rapadilino syndrome; Rothmund-Thomson syndrome type 2. Last evaluated: 2018-10-31. Review status: criteria provided, single submitter. Criteria: ACMG Guidelines, 2015. Collection method: clinical testing. Allele origin: unknown.

Genome Diagnostics Laboratory, University Medical Center Utrecht
Classification: Likely benign. Review status: no assertion criteria provided. Collection method: clinical testing. Allele origin: germline. Affected: yes. Study: VKGL Data-share Consensus. Not counted in ClinVar's aggregate classification.

Laboratory of Diagnostic Genome Analysis, Leiden University Medical Center (LUMC)
Classification: Likely benign. Review status: no assertion criteria provided. Collection method: clinical testing. Allele origin: germline. Affected: yes. Study: VKGL Data-share Consensus. Not counted in ClinVar's aggregate classification.